The following is an entry in ClinVar:

ClinVar aggregate classification (germline): Conflicting classifications of pathogenicity. Review status: criteria provided, conflicting classifications (1 of 4 stars). 2 submissions from 2 submitters: Uncertain significance (1); Likely benign (1). Last evaluated 2023-03-23.

Conditions:
Hereditary cancer-predisposing syndrome. Also called: Hereditary Cancer Syndrome; Hereditary neoplastic syndrome; Neoplastic Syndromes, Hereditary; Tumor predisposition. Identifiers: Orphanet 140162, MedGen C0027672, MeSH D009386, MONDO:0015356.

Allele frequency attached by ClinVar (database versions not stated): gnomAD exomes below 0.00001.
gnomAD v4.1: 3 of 1,610,234 alleles (0.00019%); highest among the groups gnomAD compares: Non-Finnish European, 0.00025%; no homozygotes.

Submissions (2):

University of Washington Department of Laboratory Medicine, University of Washington
Classification: Likely benign for Hereditary cancer-predisposing syndrome. Last evaluated: 2023-03-23. Review status: criteria provided, single submitter. Criteria: Dines et al. (Genet Med. 2020). Collection method: curation. Allele origin: germline.
Comment: Missense variant in a coldspot region where missense variants are very unlikely to be pathogenic (PMID:31911673).

BRCA2 exon 11 coldspot. Reclassification based on statistical prior probability.

Ambry Genetics
Classification: Uncertain significance for Hereditary cancer-predisposing syndrome. Last evaluated: 2016-10-06. Review status: criteria provided, single submitter. Criteria: Ambry Variant Classification Scheme 2023. Collection method: clinical testing. Allele origin: germline.
Comment: The p.A843S variant (also known as c.2527G>T), located in coding exon 10 of the BRCA2 gene, results from a G to T substitution at nucleotide position 2527. The alanine at codon 843 is replaced by serine, an amino acid with similar properties. This amino acid position is not well conserved in available vertebrate species. In addition, this alteration is predicted to be tolerated by in silico analysis. Since supporting evidence is limited at this time, the clinical significance of this alteration remains unclear.

NM_000059.4(BRCA2):c.2527G>T (p.Ala843Ser)

Gene: BRCA2 (BRCA2 DNA repair associated; plus strand). Cytogenetic location: 13q13.1.
Variant type: single nucleotide variant.
Coding change: c.2527G>T on transcript NM_000059.4 (MANE Select); coding-DNA position 2527, G replaced by T.
Protein change: p.Ala843Ser; replaces alanine 843 with serine.
Molecular consequence: missense variant.
Genome position (GRCh38, 1-based): chr13:32,336,882, G>T. VCF-style: chr13-32336882-G-T. GRCh37 (hg19) VCF-style: chr13-32911019-G-T.
Other names: short protein forms A843S.
Identifiers: ClinVar variation 441508 (VCV000441508.7), dbSNP rs1555282730, ClinGen allele CA387772479.